The following is an entry in ClinVar:

NM_022081.6(HPS4):c.1330G>A (p.Glu444Lys)

Gene: HPS4 (HPS4 biogenesis of lysosomal organelles complex 3 subunit 2; minus strand). Cytogenetic location: 22q12.1.
Variant type: single nucleotide variant.
Coding change: c.1330G>A on transcript NM_022081.6 (MANE Select); coding-DNA position 1330, G replaced by A.
Protein change: p.Glu444Lys; replaces glutamic acid 444 with lysine.
Molecular consequence: missense variant. On other transcripts: non-coding transcript variant (8).
Genome position (GRCh38, 1-based): chr22:26,464,300, C>T on the plus strand (G>A on the coding strand, the complement: HPS4 is on the minus strand). VCF-style: chr22-26464300-C-T. GRCh37 (hg19) VCF-style: chr22-26860266-C-T.
Other names: p.Glu444Lys; c.1330G>A (NM_022081.4); c.1330G>A, p.Glu444Lys (NM_001349896.1, NM_001349898.2, NM_001349899.2 and 5 more transcripts); c.1384G>A, p.Glu462Lys (NM_001349900.2, NM_001349901.1); c.1315G>A, p.Glu439Lys (NM_152841.2); short protein forms E439K, E444K, E462K.
Identifiers: ClinVar variation 1804827 (VCV001804827.6), dbSNP rs774979651, ClinGen allele CA10163347.

ClinVar aggregate classification (germline): Uncertain significance. Review status: criteria provided, multiple submitters, no conflicts (2 of 4 stars). 5 submissions from 5 submitters: Uncertain significance (5). Last evaluated 2026-04-23.

Conditions:
HPS4-related disorder. Also called: HPS4-related condition.
Inborn genetic diseases. Identifiers: MedGen C0950123, MeSH D030342.

Allele frequency attached by ClinVar (database versions not stated): TOPMed 0.00006; ExAC 0.00008; gnomAD 0.00009; gnomAD exomes 0.00014.
gnomAD v4.1: 218 of 1,613,946 alleles (0.014%); highest among the groups gnomAD compares: Non-Finnish European, 0.017%; no homozygotes.

Submissions (5):

PreventionGenetics, part of Exact Sciences
Classification: Uncertain significance for HPS4-related condition. Last evaluated: 2026-04-23. Review status: criteria provided, single submitter. Criteria: ACMG Guidelines, 2015. Collection method: clinical testing. Allele origin: germline.
Comment: The HPS4 c.1330G>A variant is predicted to result in the amino acid substitution p.Glu444Lys. To our knowledge, this variant has not been reported in the literature. This variant is reported in 0.0093% of alleles in individuals of European (Non-Finnish) descent in gnomAD. At this time, the clinical significance of this variant is uncertain due to the absence of conclusive functional and genetic evidence.

Mayo Clinic Laboratories, Mayo Clinic
Classification: Uncertain significance. Last evaluated: 2025-01-15. Review status: criteria provided, single submitter. Criteria: ACMG Guidelines, 2015. Collection method: clinical testing. Allele origin: germline. Observed: 1 variant allele.
Comment: BP4_moderate, PM2_supporting

Ambry Genetics
Classification: Uncertain significance for Inborn genetic diseases. Last evaluated: 2023-10-25. Review status: criteria provided, single submitter. Criteria: Ambry Variant Classification Scheme 2023. Collection method: clinical testing. Allele origin: germline.

Women's Health and Genetics/Laboratory Corporation of America, LabCorp
Classification: Uncertain significance. Last evaluated: 2022-11-05. Review status: criteria provided, single submitter. Criteria: LabCorp Variant Classification Summary - May 2015. Collection method: clinical testing. Allele origin: germline.
Comment: Variant summary: HPS4 c.1330G>A (p.Glu444Lys) results in a conservative amino acid change in the encoded protein sequence. Five of five in-silico tools predict a benign effect of the variant on protein function. The variant allele was found at a frequency of 5.2e-05 in 250994 control chromosomes (gnomAD). This frequency is not significantly higher than expected for a pathogenic variant in HPS4 causing Hermansky-Pudlak Syndrome (5.2e-05 vs 0.00052), allowing no conclusion about variant significance. To our knowledge, no occurrence of c.1330G>A in individuals affected with Hermansky-Pudlak Syndrome and no experimental evidence demonstrating its impact on protein function have been reported. No clinical diagnostic laboratories have submitted clinical-significance assessments for this variant to ClinVar after 2014. Based on the evidence outlined above, the variant was classified as uncertain significance.

Labcorp Genetics (formerly Invitae), Labcorp
Classification: Uncertain significance. Last evaluated: 2022-06-16. Review status: criteria provided, single submitter. Criteria: Invitae Variant Classification Sherloc (09022015). Collection method: clinical testing. Allele origin: germline.
Comment: This sequence change replaces glutamic acid, which is acidic and polar, with lysine, which is basic and polar, at codon 444 of the HPS4 protein (p.Glu444Lys). This variant is present in population databases (rs774979651, gnomAD 0.009%). This variant has not been reported in the literature in individuals affected with HPS4-related conditions. Algorithms developed to predict the effect of missense changes on protein structure and function output the following: SIFT: "Tolerated"; PolyPhen-2: "Benign"; Align-GVGD: "Class C0". The lysine amino acid residue is found in multiple mammalian species, which suggests that this missense change does not adversely affect protein function. In summary, the available evidence is currently insufficient to determine the role of this variant in disease. Therefore, it has been classified as a Variant of Uncertain Significance.